The following is an entry in ClinVar:

ClinVar aggregate classification (germline): Uncertain significance (1 of 4 stars; one submission).

Conditions:
Neurofibromatosis, type 1 (NF1). Also called: Peripheral type neurofibromatosis; VON RECKLINGHAUSEN DISEASE; NEUROFIBROMATOSIS, TYPE I, SOMATIC; Neurofibromatosis, type I. Identifiers: Orphanet 636, MedGen C0027831, MONDO:0018975, OMIM 162200. Disease mechanism: loss of function.

Submission:

Labcorp Genetics (formerly Invitae), Labcorp
Classification: Uncertain significance for Neurofibromatosis, type 1. Last evaluated: 2022-09-22. Review status: criteria provided, single submitter. Criteria: Invitae Variant Classification Sherloc (09022015). Collection method: clinical testing. Allele origin: germline.
Comment: This sequence change replaces serine, which is neutral and polar, with asparagine, which is neutral and polar, at codon 641 of the NF1 protein (p.Ser641Asn). This variant is not present in population databases (gnomAD no frequency). This variant has not been reported in the literature in individuals affected with NF1-related conditions. Advanced modeling of protein sequence and biophysical properties (such as structural, functional, and spatial information, amino acid conservation, physicochemical variation, residue mobility, and thermodynamic stability) performed at Invitae indicates that this missense variant is not expected to disrupt NF1 protein function. In summary, the available evidence is currently insufficient to determine the role of this variant in disease. Therefore, it has been classified as a Variant of Uncertain Significance.

NM_001042492.3(NF1):c.1922G>A (p.Ser641Asn)

Gene: NF1 (neurofibromin 1; plus strand). Cytogenetic location: 17q11.2.
Variant type: single nucleotide variant.
Coding change: c.1922G>A on transcript NM_001042492.3 (MANE Select); coding-DNA position 1922, G replaced by A.
Protein change: p.Ser641Asn; replaces serine 641 with asparagine.
Molecular consequence: missense variant.
Genome position (GRCh38, 1-based): chr17:31,225,171, G>A. VCF-style: chr17-31225171-G-A. GRCh37 (hg19) VCF-style: chr17-29552189-G-A.
Other names: c.1922G>A, p.Ser641Asn (NM_000267.4); short protein forms S641N.
Identifiers: ClinVar variation 1720035 (VCV001720035.5), dbSNP rs2144026801, ClinGen allele CA399005324.